The following is an entry in ClinVar:

ClinVar aggregate classification (germline): Uncertain significance (1 of 4 stars; one submission).

Submission:

GeneDx
Classification: Uncertain significance. Last evaluated: 2024-02-23. Review status: criteria provided, single submitter. Criteria: GeneDx Variant Classification Process June 2021. Collection method: clinical testing. Allele origin: germline. Affected: yes.
Comment: Not observed at significant frequency in large population cohorts (gnomAD); In silico analysis supports that this missense variant has a deleterious effect on protein structure/function; Has not been previously published as pathogenic or benign to our knowledge; In silico analysis suggests this variant may impact gene splicing. In the absence of RNA/functional studies, the actual effect of this sequence change is unknown.

NM_001110556.2(FLNA):c.4402C>T (p.Pro1468Ser)

Gene: FLNA (filamin A; minus strand). Cytogenetic location: Xq28.
Variant type: single nucleotide variant.
Coding change: c.4402C>T on transcript NM_001110556.2 (MANE Select); coding-DNA position 4402, C replaced by T.
Protein change: p.Pro1468Ser; replaces proline 1468 with serine.
Molecular consequence: missense variant.
Genome position (GRCh38, 1-based): chrX:154,359,056, G>A on the plus strand (C>T on the coding strand, the complement: FLNA is on the minus strand). VCF-style: chrX-154359056-G-A. GRCh37 (hg19) VCF-style: chrX-153587424-G-A.
Other names: c.4402C>T, p.Pro1468Ser (NM_001456.4); short protein forms P1468S.
Identifiers: ClinVar variation 3369586 (VCV003369586.1).